The following is an entry in ClinVar:

ClinVar aggregate classification (germline): Uncertain significance (1 of 4 stars; one submission).

Conditions:
Cardiovascular phenotype. Identifiers: MedGen CN230736.

gnomAD v4.1: 2 of 1,591,394 alleles (0.00013%); highest among the groups gnomAD compares: African/African-American, 0.0027%; no homozygotes.

Submission:

Ambry Genetics
Classification: Uncertain significance for Cardiovascular phenotype. Last evaluated: 2026-07-13. Review status: criteria provided, single submitter. Criteria: Ambry Variant Classification Scheme 2023. Collection method: clinical testing. Allele origin: germline.
Comment: The p.K165N variant (also known as c.495G>C), located in coding exon 4 of the FKBP14 gene, results from a G to C substitution at nucleotide position 495. The lysine at codon 165 is replaced by asparagine, an amino acid with similar properties. This amino acid position is conserved. In addition, this alteration is predicted to be tolerated by in silico analysis. Based on the available evidence, the clinical significance of this variant remains unclear.

NM_017946.4(FKBP14):c.495G>C (p.Lys165Asn)

Genes: FKBP14 (FKBP prolyl isomerase 14; minus strand), FKBP14-AS1 (FKBP14 antisense RNA 1; plus strand). Cytogenetic location: 7p14.3.
Variant type: single nucleotide variant.
Coding change: c.495G>C on transcript NM_017946.4 (MANE Select); coding-DNA position 495, G replaced by C.
Protein change: p.Lys165Asn; replaces lysine 165 with asparagine.
Molecular consequence: missense variant. On other transcripts: non-coding transcript variant (2).
Genome position (GRCh38, 1-based): chr7:30,014,876, C>G on the plus strand (G>C on the coding strand, the complement: FKBP14 is on the minus strand). VCF-style: chr7-30014876-C-G. GRCh37 (hg19) VCF-style: chr7-30054492-C-G.
Other names: short protein forms K165N.
Identifiers: ClinVar variation 5021804 (VCV005021804.1).